The following is an entry in ClinVar:

NM_000179.3(MSH6):c.1034A>G (p.Asn345Ser)

Gene: MSH6 (mutS homolog 6; plus strand). Cytogenetic location: 2p16.3.
Variant type: single nucleotide variant.
Coding change: c.1034A>G on transcript NM_000179.3 (MANE Select); coding-DNA position 1034, A replaced by G.
Protein change: p.Asn345Ser; replaces asparagine 345 with serine.
Molecular consequence: missense variant.
Genome position (GRCh38, 1-based): chr2:47,799,017, A>G. VCF-style: chr2-47799017-A-G. GRCh37 (hg19) VCF-style: chr2-48026156-A-G.
Other names: c.644A>G, p.Asn215Ser (NM_001281492.2); c.128A>G, p.Asn43Ser (NM_001281493.2, NM_001281494.2); short protein forms N345S, N43S, N215S.
Identifiers: ClinVar variation 220096 (VCV000220096.13), dbSNP rs864622377, ClinGen allele CA348227.

ClinVar aggregate classification (germline): Uncertain significance. Review status: criteria provided, multiple submitters, no conflicts (2 of 4 stars). 2 submissions from 2 submitters: Uncertain significance (2). Last evaluated 2023-12-05.

Conditions:
Hereditary nonpolyposis colorectal neoplasms. Identifiers: MedGen C0009405, MeSH D003123.
Hereditary cancer-predisposing syndrome. Also called: Hereditary neoplastic syndrome; Tumor predisposition; Hereditary Cancer Syndrome; Neoplastic Syndromes, Hereditary. Identifiers: Orphanet 140162, MedGen C0027672, MeSH D009386, MONDO:0015356.

Submissions (2):

Color Diagnostics, LLC DBA Color Health
Classification: Uncertain significance for Hereditary cancer-predisposing syndrome. Last evaluated: 2023-12-05. Review status: criteria provided, single submitter. Criteria: ACMG Guidelines, 2015. Collection method: clinical testing. Allele origin: germline.
Comment: This missense variant replaces asparagine with serine at codon 345 of the MSH6 protein. Computational prediction suggests that this variant may not impact protein structure and function (internally defined REVEL score threshold <= 0.5, PMID: 27666373). To our knowledge, functional studies have not been reported for this variant. This variant has not been reported in individuals affected with MSH6-related disorders in the literature. This variant has not been identified in the general population by the Genome Aggregation Database (gnomAD). The available evidence is insufficient to determine the role of this variant in disease conclusively. Therefore, this variant is classified as a Variant of Uncertain Significance.

Labcorp Genetics (formerly Invitae), Labcorp
Classification: Uncertain significance for Hereditary nonpolyposis colorectal neoplasms. Last evaluated: 2023-05-01. Review status: criteria provided, single submitter. Criteria: Invitae Variant Classification Sherloc (09022015). Collection method: clinical testing. Allele origin: germline.
Comment: In summary, the available evidence is currently insufficient to determine the role of this variant in disease. Therefore, it has been classified as a Variant of Uncertain Significance. Advanced modeling of protein sequence and biophysical properties (such as structural, functional, and spatial information, amino acid conservation, physicochemical variation, residue mobility, and thermodynamic stability) performed at Invitae indicates that this missense variant is not expected to disrupt MSH6 protein function. ClinVar contains an entry for this variant (Variation ID: 220096). This variant has not been reported in the literature in individuals affected with MSH6-related conditions. This variant is not present in population databases (gnomAD no frequency). This sequence change replaces asparagine, which is neutral and polar, with serine, which is neutral and polar, at codon 345 of the MSH6 protein (p.Asn345Ser).